The following is an entry in ClinVar:

NM_001184.4(ATR):c.5228T>C (p.Met1743Thr)

Gene: ATR (ATR checkpoint kinase; minus strand). Cytogenetic location: 3q23.
Variant type: single nucleotide variant.
Coding change: c.5228T>C on transcript NM_001184.4 (MANE Select); coding-DNA position 5228, T replaced by C.
Protein change: p.Met1743Thr; replaces methionine 1743 with threonine.
Molecular consequence: missense variant.
Genome position (GRCh38, 1-based): chr3:142,503,422, A>G on the plus strand (T>C on the coding strand, the complement: ATR is on the minus strand). VCF-style: chr3-142503422-A-G. GRCh37 (hg19) VCF-style: chr3-142222264-A-G.
Other names: c.5036T>C, p.Met1679Thr (NM_001354579.2); c.5228T>C (NM_001184.3); short protein forms M1679T, M1743T.
Identifiers: ClinVar variation 1910557 (VCV001910557.4), dbSNP rs2473182730, ClinGen allele CA354818492.

ClinVar aggregate classification (germline): Uncertain significance. Review status: criteria provided, multiple submitters, no conflicts (2 of 4 stars). 2 submissions from 2 submitters: Uncertain significance (2). Last evaluated 2024-07-09.

Conditions:
Inborn genetic diseases. Identifiers: MedGen C0950123, MeSH D030342.

Submissions (2):

Ambry Genetics
Classification: Uncertain significance for Inborn genetic diseases. Last evaluated: 2024-07-09. Review status: criteria provided, single submitter. Criteria: Ambry Variant Classification Scheme 2023. Collection method: clinical testing. Allele origin: germline.
Comment: The p.M1743T variant (also known as c.5228T>C), located in coding exon 30 of the ATR gene, results from a T to C substitution at nucleotide position 5228. The methionine at codon 1743 is replaced by threonine, an amino acid with similar properties. This amino acid position is conserved. In addition, the in silico prediction for this alteration is inconclusive. Based on the available evidence, the clinical significance of this variant remains unclear.

Labcorp Genetics (formerly Invitae), Labcorp
Classification: Uncertain significance. Last evaluated: 2022-06-07. Review status: criteria provided, single submitter. Criteria: Invitae Variant Classification Sherloc (09022015). Collection method: clinical testing. Allele origin: germline.
Comment: This variant is not present in population databases (gnomAD no frequency). This sequence change replaces methionine, which is neutral and non-polar, with threonine, which is neutral and polar, at codon 1743 of the ATR protein (p.Met1743Thr). This variant has not been reported in the literature in individuals affected with ATR-related conditions. In summary, the available evidence is currently insufficient to determine the role of this variant in disease. Therefore, it has been classified as a Variant of Uncertain Significance. Algorithms developed to predict the effect of sequence changes on RNA splicing suggest that this variant may create or strengthen a splice site. Algorithms developed to predict the effect of missense changes on protein structure and function are either unavailable or do not agree on the potential impact of this missense change (SIFT: "Deleterious"; PolyPhen-2: "Possibly Damaging"; Align-GVGD: "Class C15").